The following is an entry in ClinVar:

ClinVar aggregate classification (germline): Likely benign. Review status: criteria provided, multiple submitters, no conflicts (2 of 4 stars). 2 submissions from 2 submitters: Likely benign (2). Last evaluated 2026-08-05.

Conditions:
NTRK1-related disorder. Also called: NTRK1-related condition.
Hereditary insensitivity to pain with anhidrosis (CIPA). Also called: FAMILIAL DYSAUTONOMIA, TYPE II; HSAN Type IV; hereditary sensory and autonomic neuropathy type 4; NEUROPATHY, CONGENITAL SENSORY, WITH ANHIDROSIS; NTRK1 Congenital Insensitivity to Pain with Anhidrosis; INSENSITIVITY TO PAIN, CONGENITAL, WITH ANHIDROSIS. Identifiers: Orphanet 642, MedGen C0020074, MONDO:0009746, OMIM 256800.

Allele frequency attached by ClinVar (database versions not stated): gnomAD exomes 0.00001 and 0.00005; ExAC 0.00002; TOPMed 0.00003; gnomAD 0.00004; 1000 Genomes Project 30x 0.00016; 1000 Genomes Project 0.00020.
gnomAD v4.1: 82 of 1,614,118 alleles (0.0051%); highest among the groups gnomAD compares: Non-Finnish European, 0.0062%; no homozygotes.

Submissions (2):

PreventionGenetics, part of Exact Sciences
Classification: Likely benign for NTRK1-related condition. Last evaluated: 2026-08-05. Review status: criteria provided, single submitter. Criteria: ACMG Guidelines, 2015. Collection method: clinical testing. Allele origin: germline.
Comment: This variant is classified as likely benign based on ACMG/AMP sequence variant interpretation guidelines (Richards et al. 2015 PMID: 25741868, with internal and published modifications).

Labcorp Genetics (formerly Invitae), Labcorp
Classification: Likely benign for Hereditary insensitivity to pain with anhidrosis. Last evaluated: 2026-01-09. Review status: criteria provided, single submitter. Criteria: Invitae Variant Classification Sherloc (09022015). Collection method: clinical testing. Allele origin: germline.

NM_002529.4(NTRK1):c.360-8G>A

Gene: NTRK1 (neurotrophic receptor tyrosine kinase 1; plus strand). Cytogenetic location: 1q23.1.
Variant type: single nucleotide variant.
Coding change: c.360-8G>A on transcript NM_002529.4 (MANE Select); 8 bases into the intron before coding-DNA position 360, G replaced by A.
Molecular consequence: intron variant.
Genome position (GRCh38, 1-based): chr1:156,866,902, G>A. VCF-style: chr1-156866902-G-A. GRCh37 (hg19) VCF-style: chr1-156836694-G-A.
Other names: c.270-8G>A (NM_001007792.1); c.360-8G>A (NM_001012331.2, NM_002529.3).
Identifiers: ClinVar variation 1150336 (VCV001150336.11), dbSNP rs554411833, ClinGen allele CA1168937.